The following is an entry in ClinVar:

ClinVar aggregate classification (germline): Uncertain significance. Review status: criteria provided, multiple submitters, no conflicts (2 of 4 stars). 2 submissions from 2 submitters: Uncertain significance (2). Last evaluated 2025-10-23.

Conditions:
Autosomal dominant osteopetrosis 1 (OPTA1). Also called: OSTEOPETROSIS, AUTOSOMAL DOMINANT, TYPE I. Identifiers: Orphanet 2783, MedGen C1843330, MONDO:0011877, OMIM 607634.
Polycystic liver disease 4 with or without kidney cysts. Identifiers: MedGen C4693479, MONDO:0044327, OMIM 617875.
Exudative vitreoretinopathy 4 (EVR4). Identifiers: Orphanet 891, MedGen C1866176, MONDO:0011151, OMIM 601813.
Osteoporosis with pseudoglioma (OPPG). Also called: osteoporosis-pseudoglioma syndrome. Identifiers: Orphanet 2788, MedGen C0432252, MONDO:0009820, OMIM 259770.
Bone mineral density quantitative trait locus 1 (BMND1). Identifiers: MedGen C1866079, OMIM 601884.
Worth disease. Also called: Autosomal dominant osteosclerosis, Worth type; ENDOSTEAL HYPEROSTOSIS, AUTOSOMAL DOMINANT; OSTEOSCLEROSIS, AUTOSOMAL DOMINANT. Identifiers: Orphanet 2790, MedGen C0432273, MONDO:0007764, OMIM 144750.

Allele frequency attached by ClinVar (database versions not stated): gnomAD exomes 0.00001; TOPMed 0.00001; ExAC 0.00002; gnomAD 0.00003.
gnomAD v4.1: 18 of 1,614,060 alleles (0.0011%); highest among the groups gnomAD compares: Admixed American, 0.0083%; no homozygotes.

Submissions (2):

Labcorp Genetics (formerly Invitae), Labcorp
Classification: Uncertain significance. Last evaluated: 2025-10-23. Review status: criteria provided, single submitter. Criteria: Invitae Variant Classification Sherloc (09022015). Collection method: clinical testing. Allele origin: germline.
Comment: This sequence change replaces arginine, which is basic and polar, with glutamine, which is neutral and polar, at codon 1237 of the LRP5 protein (p.Arg1237Gln). This variant is present in population databases (rs765434644, gnomAD 0.002%). This variant has not been reported in the literature in individuals affected with LRP5-related conditions. ClinVar contains an entry for this variant (Variation ID: 1492779). Invitae Evidence Modeling of protein sequence and biophysical properties (such as structural, functional, and spatial information, amino acid conservation, physicochemical variation, residue mobility, and thermodynamic stability) has been performed for this missense variant. However, the output from this modeling did not meet the statistical confidence thresholds required to predict the impact of this variant on LRP5 protein function. In summary, the available evidence is currently insufficient to determine the role of this variant in disease. Therefore, it has been classified as a Variant of Uncertain Significance.

Fulgent Genetics
Classification: Uncertain significance for Worth disease; Osteoporosis with pseudoglioma; Exudative vitreoretinopathy 4; Bone mineral density quantitative trait locus 1; Autosomal dominant osteopetrosis 1; Polycystic liver disease 4 with or without kidney cysts. Last evaluated: 2024-05-10. Review status: criteria provided, single submitter. Criteria: ACMG Guidelines, 2015. Collection method: clinical testing. Allele origin: germline.

NM_002335.4(LRP5):c.3710G>A (p.Arg1237Gln)

Gene: LRP5 (LDL receptor related protein 5; plus strand). Cytogenetic location: 11q13.2.
Variant type: single nucleotide variant.
Coding change: c.3710G>A on transcript NM_002335.4 (MANE Select); coding-DNA position 3710, G replaced by A.
Protein change: p.Arg1237Gln; replaces arginine 1237 with glutamine.
Molecular consequence: missense variant.
Genome position (GRCh38, 1-based): chr11:68,429,647, G>A. VCF-style: chr11-68429647-G-A. GRCh37 (hg19) VCF-style: chr11-68197115-G-A.
Other names: c.1967G>A, p.Arg656Gln (NM_001291902.2); short protein forms R1237Q, R656Q.
Identifiers: ClinVar variation 1492779 (VCV001492779.9), dbSNP rs765434644, ClinGen allele CA6150079.
Genomic context (GRCh38, chr11:68,429,647, plus strand): 5'-GTGCCCGTGACAATGGTGGCTGCTCCCACATCTGTATTGCCAAGGGTGATGGGACACCAC[G>A]GTGCTCATGCCCAGTCCACCTCGTGCTCCTGCAGAACCTGCTGACCTGTGGAGGTAGGTG-3'
Protein context (NP_002326.2, residues 1227-1247): ICIAKGDGTP[Arg1237Gln]CSCPVHLVLL